The following is an entry in ClinVar:

NM_007294.4(BRCA1):c.934G>T (p.Gly312Cys)

Gene: BRCA1 (BRCA1 DNA repair associated; minus strand). Cytogenetic location: 17q21.31.
Variant type: single nucleotide variant.
Coding change: c.934G>T on transcript NM_007294.4 (MANE Select); coding-DNA position 934, G replaced by T.
Protein change: p.Gly312Cys; replaces glycine 312 with cysteine.
Molecular consequence: missense variant. On other transcripts: intron variant (137).
Genome position (GRCh38, 1-based): chr17:43,094,597, C>A on the plus strand (G>T on the coding strand, the complement: BRCA1 is on the minus strand). VCF-style: chr17-43094597-C-A. GRCh37 (hg19) VCF-style: chr17-41246614-C-A.
Other names: c.811G>T, p.Gly271Cys (NM_001407676.1, NM_001407677.1, NM_001407678.1 and 19 more transcripts); c.934G>T, p.Gly312Cys (NM_001407684.1, NM_007300.4, NM_001407581.1 and 30 more transcripts); c.793G>T, p.Gly265Cys (NM_001407696.1, NM_001407697.1, NM_001407698.1 and 29 more transcripts); c.790G>T, p.Gly264Cys (NM_001407740.1, NM_001407741.1, NM_001407742.1 and 20 more transcripts); c.721G>T, p.Gly241Cys (NM_001407853.1, NM_001407894.1, NM_001407895.1 and 9 more transcripts); c.724G>T, p.Gly242Cys (NM_001407881.1, NM_001407882.1, NM_001407884.1 and 13 more transcripts); c.670G>T, p.Gly224Cys (NM_001407920.1, NM_001407921.1, NM_001407933.1 and 9 more transcripts); c.667G>T, p.Gly223Cys (NM_001407932.1, NM_001407934.1, NM_001407936.1 and 2 more transcripts); and 40 more; short protein forms G144C, G16C, G184C, G185C, G200C, G201C, G223C, G224C.
Identifiers: ClinVar variation 3073045 (VCV003073045.1), dbSNP rs752715574, ClinGen allele CA056911.

ClinVar aggregate classification (germline): Uncertain significance (1 of 4 stars; one submission).

Conditions:
Breast-ovarian cancer, familial, susceptibility to, 1 (BROVCA1). Also called: BRCA1 Hereditary Breast and Ovarian Cancer; OVARIAN CANCER, SUSCEPTIBILITY TO. Identifiers: Orphanet 145, MedGen C2676676, MONDO:0011450, OMIM 604370. Disease mechanism: loss of function.

Allele frequency attached by ClinVar (database versions not stated): gnomAD exomes below 0.00001; ExAC 0.00001.
gnomAD v4.1: 1 of 1,614,120 alleles (0.000062%); highest among the groups gnomAD compares: Non-Finnish European, 0.000085%; no homozygotes.

Submission:

All of Us Research Program, National Institutes of Health
Classification: Uncertain significance for Breast-ovarian cancer, familial, susceptibility to, 1. Last evaluated: 2023-11-30. Review status: criteria provided, single submitter. Criteria: ACMG Guidelines, 2015. Collection method: clinical testing. Allele origin: germline. Inheritance: Autosomal dominant inheritance. Observed: 1 variant allele, 1 heterozygote.
Comment: This study involves interpretation of variants in research participants for the purpose of population health screening. Participant phenotype was not available at the time of variant classification. Additional details can be found in publication PMID: 35346344, PMCID: PMC8962531